The following is an entry in ClinVar:

NM_022356.4(P3H1):c.1171-2A>T

Gene: P3H1 (prolyl 3-hydroxylase 1; minus strand). Cytogenetic location: 1p34.2.
Variant type: single nucleotide variant.
Coding change: c.1171-2A>T on transcript NM_022356.4 (MANE Select); the canonical splice acceptor site of the intron before coding-DNA position 1171, A replaced by T.
Molecular consequence: splice acceptor variant.
Genome position (GRCh38, 1-based): chr1:42,755,219, T>A on the plus strand (A>T on the coding strand, the complement: P3H1 is on the minus strand). VCF-style: chr1-42755219-T-A. GRCh37 (hg19) VCF-style: chr1-43220890-T-A.
Other names: c.1171-2A>T (NM_001146289.2, NM_001243246.2).
Identifiers: ClinVar variation 571428 (VCV000571428.7), dbSNP rs1013320485, ClinGen allele CA339958158.

ClinVar aggregate classification (germline): Likely pathogenic (1 of 4 stars; one submission).

Conditions:
Osteogenesis imperfecta type 8 (OI8). Identifiers: MedGen C1970458, MONDO:0012581, OMIM 610915.

Submission:

Labcorp Genetics (formerly Invitae), Labcorp
Classification: Likely pathogenic for Osteogenesis imperfecta type 8. Last evaluated: 2024-02-14. Review status: criteria provided, single submitter. Criteria: Invitae Variant Classification Sherloc (09022015). Collection method: clinical testing. Allele origin: germline.
Comment: This sequence change affects an acceptor splice site in intron 6 of the P3H1 gene. It is expected to disrupt RNA splicing. Variants that disrupt the donor or acceptor splice site typically lead to a loss of protein function (PMID: 16199547), and loss-of-function variants in P3H1 are known to be pathogenic (PMID: 17277775, 18566967, 19088120, 22281939). This variant is not present in population databases (gnomAD no frequency). This variant has not been reported in the literature in individuals affected with P3H1-related conditions. ClinVar contains an entry for this variant (Variation ID: 571428). Algorithms developed to predict the effect of sequence changes on RNA splicing suggest that this variant may disrupt the consensus splice site. In summary, the currently available evidence indicates that the variant is pathogenic, but additional data are needed to prove that conclusively. Therefore, this variant has been classified as Likely Pathogenic.

Literature cited by the submitters: PubMed 16199547; PubMed 17277775; PubMed 18566967; PubMed 19088120; PubMed 22281939.